The following is an entry in ClinVar:

NM_013280.5(FLRT1):c.776C>T (p.Ser259Leu)

Genes: FLRT1 (fibronectin leucine rich transmembrane protein 1; plus strand), MACROD1 (mono-ADP ribosylhydrolase 1; minus strand). Cytogenetic location: 11q13.1.
Variant type: single nucleotide variant.
Coding change: c.776C>T on transcript NM_013280.5 (MANE Select); coding-DNA position 776, C replaced by T.
Protein change: p.Ser259Leu; replaces serine 259 with leucine.
Molecular consequence: missense variant. On other transcripts: intron variant (2).
Genome position (GRCh38, 1-based): chr11:64,117,043, C>T. VCF-style: chr11-64117043-C-T. GRCh37 (hg19) VCF-style: chr11-63884515-C-T.
Other names: c.776C>T, p.Ser259Leu (NM_001384466.1); c.692C>T, p.Ser231Leu (NM_001423967.1); c.517+34196G>A (NM_001411019.1, NM_014067.4); short protein forms S259L, S231L.
Identifiers: ClinVar variation 566239 (VCV000566239.11), dbSNP rs776773158, ClinGen allele CA6067546.

ClinVar aggregate classification (germline): Uncertain significance. Review status: criteria provided, multiple submitters, no conflicts (2 of 4 stars). 2 submissions from 2 submitters: Uncertain significance (2). Last evaluated 2025-05-18.

Conditions:
Peripheral neuropathy. Also called: Neuropathy. Identifiers: MedGen C0031117, MONDO:0005244, HP:0009830.

Allele frequency attached by ClinVar (database versions not stated): TOPMed 0.00004; ExAC 0.00007.
gnomAD v4.1: 19 of 1,606,674 alleles (0.0012%); highest among the groups gnomAD compares: Admixed American, 0.012%; no homozygotes.

Submissions (2):

Ambry Genetics
Classification: Uncertain significance. Last evaluated: 2025-05-18. Review status: criteria provided, single submitter. Criteria: Ambry Variant Classification Scheme 2023. Collection method: clinical testing. Allele origin: germline.

Labcorp Genetics (formerly Invitae), Labcorp
Classification: Uncertain significance for Peripheral neuropathy. Last evaluated: 2024-10-28. Review status: criteria provided, single submitter. Criteria: Invitae Variant Classification Sherloc (09022015). Collection method: clinical testing. Allele origin: germline.
Comment: This sequence change replaces serine, which is neutral and polar, with leucine, which is neutral and non-polar, at codon 259 of the FLRT1 protein (p.Ser259Leu). This variant is present in population databases (rs776773158, gnomAD 0.02%). This variant has not been reported in the literature in individuals affected with FLRT1-related conditions. ClinVar contains an entry for this variant (Variation ID: 566239). Invitae Evidence Modeling of protein sequence and biophysical properties (such as structural, functional, and spatial information, amino acid conservation, physicochemical variation, residue mobility, and thermodynamic stability) indicates that this missense variant is not expected to disrupt FLRT1 protein function with a negative predictive value of 80%. In summary, the available evidence is currently insufficient to determine the role of this variant in disease. Therefore, it has been classified as a Variant of Uncertain Significance.